The following is an entry in ClinVar:

NM_013336.4(SEC61A1):c.76-4C>G

Gene: SEC61A1 (SEC61 translocon subunit alpha 1; plus strand). Cytogenetic location: 3q21.3.
Variant type: single nucleotide variant.
Coding change: c.76-4C>G on transcript NM_013336.4 (MANE Select); 4 bases into the intron before coding-DNA position 76, C replaced by G.
Molecular consequence: intron variant.
Genome position (GRCh38, 1-based): chr3:128,055,512, C>G. VCF-style: chr3-128055512-C-G. GRCh37 (hg19) VCF-style: chr3-127774355-C-G.
Other names: c.76-4C>G (NM_013336.3).
Identifiers: ClinVar variation 493372 (VCV000493372.49), dbSNP rs189545025, ClinGen allele CA2598296.

ClinVar aggregate classification (germline): Conflicting classifications of pathogenicity. Review status: criteria provided, conflicting classifications (1 of 4 stars). 3 submissions from 3 submitters: Uncertain significance (1); Likely benign (1). 1 of the submissions does not count toward it. Last evaluated 2026-01-12.

Conditions:
SEC61A1-related disorder. Also called: SEC61A1-related condition.

Allele frequency attached by ClinVar (database versions not stated): ExAC 0.00007; gnomAD exomes 0.00007 and 0.00013; TOPMed 0.00010; gnomAD 0.00012; 1000 Genomes Project 30x 0.00016; 1000 Genomes Project 0.00020; ESP Exome Variant Server 0.00031.
gnomAD v4.1: 197 of 1,607,148 alleles (0.012%); highest among the groups gnomAD compares: Non-Finnish European, 0.016%; no homozygotes.

Submissions (3):

Labcorp Genetics (formerly Invitae), Labcorp
Classification: Likely benign. Last evaluated: 2026-01-12. Review status: criteria provided, single submitter. Criteria: Invitae Variant Classification Sherloc (09022015). Collection method: clinical testing. Allele origin: germline.

CeGaT Center for Human Genetics Tuebingen
Classification: Uncertain significance. Last evaluated: 2017-10-01. Review status: criteria provided, single submitter. Criteria: CeGaT Center For Human Genetics Tuebingen Variant Classification Criteria Version 2. Collection method: clinical testing. Allele origin: germline. Affected: yes. Observed: 1 variant allele.

PreventionGenetics, part of Exact Sciences
Classification: Likely benign for SEC61A1-related condition. Last evaluated: 2019-03-15. Review status: no assertion criteria provided. Collection method: clinical testing. Allele origin: germline. Not counted in ClinVar's aggregate classification.
Comment: This variant is classified as likely benign based on ACMG/AMP sequence variant interpretation guidelines (Richards et al. 2015 PMID: 25741868, with internal and published modifications).